The following is an entry in ClinVar:

ClinVar aggregate classification (germline): Pathogenic (1 of 4 stars; one submission).

Submission:

Labcorp Genetics (formerly Invitae), Labcorp
Classification: Pathogenic. Last evaluated: 2022-06-29. Review status: criteria provided, single submitter. Criteria: Invitae Variant Classification Sherloc (09022015). Collection method: clinical testing. Allele origin: germline.
Comment: For these reasons, this variant has been classified as Pathogenic. This variant has not been reported in the literature in individuals affected with ATP13A3-related conditions. This variant is not present in population databases (gnomAD no frequency). This sequence change creates a premature translational stop signal (p.Ser1110Phefs*21) in the ATP13A3 gene. It is expected to result in an absent or disrupted protein product. Loss-of-function variants in ATP13A3 are known to be pathogenic (PMID: 29650961, 34493544).

Literature cited by the submitters: PubMed 29650961; PubMed 34493544.

NM_001367549.1(ATP13A3):c.3328dup (p.Ser1110fs)

Gene: ATP13A3 (ATPase 13A3; minus strand). Cytogenetic location: 3q29.
Variant type: Duplication.
Coding change: c.3328dup on transcript NM_001367549.1 (MANE Select); coding-DNA position 3328, one base duplicated (T; older notation c.3328dupT).
Protein change: p.Ser1110fs; shifts the reading frame from serine 1110.
Molecular consequence: frameshift variant. On other transcripts: non-coding transcript variant (2).
Genome position (GRCh38, 1-based): chr3:194,419,953, A duplicated on the plus strand (T on the coding strand, the reverse complement: ATP13A3 is on the minus strand); the first of 6 consecutive A bases (chr3:194,419,953-194,419,958); duplicating any one gives the same sequence. VCF-style (leftmost placement, unchanged base first): chr3-194419952-G-GA. GRCh37 (hg19) VCF-style: chr3-194140681-G-GA.
Other names: c.3247dup, p.Ser1083fs (NM_001374836.1); c.3328dup, p.Ser1110fs (NM_024524.4); short protein forms S1083fs, S1110fs.
Identifiers: ClinVar variation 1946124 (VCV001946124.5), dbSNP rs2474198676, ClinGen allele CA645514033.